The following is an entry in ClinVar:

NM_003200.5(TCF3):c.1150G>A (p.Gly384Arg)

Gene: TCF3 (transcription factor 3; minus strand). Cytogenetic location: 19p13.3.
Variant type: single nucleotide variant.
Coding change: c.1150G>A on transcript NM_003200.5 (MANE Select); coding-DNA position 1150, G replaced by A.
Protein change: p.Gly384Arg; replaces glycine 384 with arginine.
Molecular consequence: missense variant.
Genome position (GRCh38, 1-based): chr19:1,619,797, C>T on the plus strand (G>A on the coding strand, the complement: TCF3 is on the minus strand). VCF-style: chr19-1619797-C-T. GRCh37 (hg19) VCF-style: chr19-1619796-C-T.
Other names: c.1150G>A, p.Gly384Arg (NM_001136139.4, NM_001351778.2, NM_001351779.2); short protein forms G384R.
Identifiers: ClinVar variation 1899059 (VCV001899059.5), dbSNP rs149802542, ClinGen allele CA9050036.

ClinVar aggregate classification (germline): Uncertain significance (1 of 4 stars; one submission).

Allele frequency attached by ClinVar (database versions not stated): TOPMed 0.00004; ExAC 0.00005; gnomAD 0.00006; ESP Exome Variant Server 0.00008.
gnomAD v4.1: 21 of 1,560,508 alleles (0.0013%); highest among the groups gnomAD compares: African/African-American, 0.0095%; no homozygotes.

Submission:

Labcorp Genetics (formerly Invitae), Labcorp
Classification: Uncertain significance. Last evaluated: 2023-04-11. Review status: criteria provided, single submitter. Criteria: Invitae Variant Classification Sherloc (09022015). Collection method: clinical testing. Allele origin: germline.
Comment: In summary, the available evidence is currently insufficient to determine the role of this variant in disease. Therefore, it has been classified as a Variant of Uncertain Significance. Advanced modeling of protein sequence and biophysical properties (such as structural, functional, and spatial information, amino acid conservation, physicochemical variation, residue mobility, and thermodynamic stability) performed at Invitae indicates that this missense variant is not expected to disrupt TCF3 protein function. ClinVar contains an entry for this variant (Variation ID: 1899059). This variant has not been reported in the literature in individuals affected with TCF3-related conditions. The frequency data for this variant in the population databases is considered unreliable, as metrics indicate poor data quality at this position in the gnomAD database. This sequence change replaces glycine, which is neutral and non-polar, with arginine, which is basic and polar, at codon 384 of the TCF3 protein (p.Gly384Arg).